The following is an entry in ClinVar:

ClinVar aggregate classification (germline): Uncertain significance (1 of 4 stars; one submission).

Conditions:
Familial thoracic aortic aneurysm and aortic dissection (TAAD). Also called: Thoracic aortic aneurysms and dissections. Identifiers: Orphanet 91387, MedGen C4707243, MONDO:0019625.

Submission:

Ambry Genetics
Classification: Uncertain significance for Familial thoracic aortic aneurysm and aortic dissection. Last evaluated: 2022-08-07. Review status: criteria provided, single submitter. Criteria: Ambry Variant Classification Scheme 2023. Collection method: clinical testing. Allele origin: germline.
Comment: The p.G1775R variant (also known as c.5323G>C), located in coding exon 29 of the MYLK gene, results from a G to C substitution at nucleotide position 5323. The glycine at codon 1775 is replaced by arginine, an amino acid with dissimilar properties. This amino acid position is conserved. In addition, the in silico prediction for this alteration is inconclusive. Since supporting evidence is limited at this time, the clinical significance of this alteration remains unclear.

NM_053025.4(MYLK):c.5323G>C (p.Gly1775Arg)

Genes: MYLK-AS1 (MYLK antisense RNA 1; plus strand), MYLK (myosin light chain kinase; minus strand). Cytogenetic location: 3q21.1.
Variant type: single nucleotide variant.
Coding change: c.5323G>C on transcript NM_053025.4 (MANE Select); coding-DNA position 5323, G replaced by C.
Protein change: p.Gly1775Arg; replaces glycine 1775 with arginine.
Molecular consequence: missense variant.
Genome position (GRCh38, 1-based): chr3:123,620,252, C>G on the plus strand (G>C on the coding strand, the complement: MYLK is on the minus strand). VCF-style: chr3-123620252-C-G. GRCh37 (hg19) VCF-style: chr3-123339099-C-G.
Other names: c.4795G>C, p.Gly1599Arg (NM_001321309.2); c.5116G>C, p.Gly1706Arg (NM_053026.4); c.5170G>C, p.Gly1724Arg (NM_053027.4); c.4963G>C, p.Gly1655Arg (NM_053028.4); c.43G>C, p.Gly15Arg (NM_053031.4, NM_053032.4); short protein forms G15R, G1706R, G1775R, G1599R, G1655R, G1724R.
Identifiers: ClinVar variation 1746839 (VCV001746839.2), dbSNP rs2472871566, ClinGen allele CA354231466.
Genomic context (GRCh38, chr3:123,620,252, plus strand): 5'-GAAACTCCTCCTTACCTTCAGATTCTAGTTTTTCTGCATTGAGCGGGCTGGTTGGTGACC[C>G]TGTTGAGGATTTCCTGCCACTGAGCCCTGAGATCATTGCCATAGAGGACAGTCTTCCAAT-3'
Protein context (NP_444253.3, residues 1765-1785): SGLSGRKSST[Gly1775Arg]SPTSPLNAEK